The following is an entry in ClinVar:

ClinVar aggregate classification (germline): Benign/Likely benign. Review status: criteria provided, multiple submitters, no conflicts (2 of 4 stars). 6 submissions from 6 submitters: Benign (1); Likely benign (4). 1 of the submissions does not count toward it. Last evaluated 2026-01-15.

Conditions:
Nephronophthisis 14 (NPHP14). Identifiers: Orphanet 2318, MedGen C3539071, MONDO:0013916, OMIM 614844.

Allele frequency attached by ClinVar (database versions not stated): 1000 Genomes Project 30x 0.00016; 1000 Genomes Project 0.00020; ExAC 0.00039; gnomAD exomes 0.00049 and 0.00104; TOPMed 0.00064; gnomAD 0.00070 and 0.00073; ESP Exome Variant Server 0.00092.
gnomAD v4.1: 1,566 of 1,584,592 alleles (0.099%); highest among the groups gnomAD compares: Non-Finnish European, 0.13%; 3 homozygotes.

Submissions (6):

Labcorp Genetics (formerly Invitae), Labcorp
Classification: Likely benign for Nephronophthisis 14. Last evaluated: 2026-01-15. Review status: criteria provided, single submitter. Criteria: Invitae Variant Classification Sherloc (09022015). Collection method: clinical testing. Allele origin: germline.

CeGaT Center for Human Genetics Tuebingen
Classification: Likely benign. Last evaluated: 2025-04-01. Review status: criteria provided, single submitter. Criteria: CeGaT Center For Human Genetics Tuebingen Variant Classification Criteria Version 2. Collection method: clinical testing. Allele origin: germline. Affected: yes. Observed: 5 variant alleles.
Comment: ZNF423: BP4, BP7

Laboratory of Genetics, Children's Clinical University Hospital Latvia
Classification: Benign. Last evaluated: 2025-02-16. Review status: criteria provided, single submitter. Criteria: ACMG Guidelines, 2015. Collection method: clinical testing. Allele origin: germline. Affected: yes.

Blueprint Genetics
Classification: Likely benign. Last evaluated: 2024-10-22. Review status: criteria provided, single submitter. Criteria: ACMG Guidelines, 2015. Collection method: clinical testing. Allele origin: germline.

Clinical Genetics DNA and cytogenetics Diagnostics Lab, Erasmus MC, Erasmus Medical Center
Classification: Likely benign for Nephronophthisis 14. Last evaluated: 2017-06-28. Review status: criteria provided, single submitter. Criteria: ACGS Guidelines, 2013. Collection method: clinical testing. Allele origin: germline. Affected: yes. Study: VKGL Data-share Consensus.

Clinical Genetics, Academic Medical Center
Classification: Benign. Review status: no assertion criteria provided. Collection method: clinical testing. Allele origin: germline. Affected: yes. Study: VKGL Data-share Consensus. Not counted in ClinVar's aggregate classification.

NM_001379286.1(ZNF423):c.3300C>T (p.Cys1100=)

Gene: ZNF423 (zinc finger protein 423; minus strand). Cytogenetic location: 16q12.1.
Variant type: single nucleotide variant.
Coding change: c.3300C>T on transcript NM_001379286.1 (MANE Select); coding-DNA position 3300, C replaced by T.
Protein change: p.Cys1100=; no amino-acid change (cysteine 1100 retained).
Molecular consequence: synonymous variant.
Genome position (GRCh38, 1-based): chr16:49,635,876, G>A on the plus strand (C>T on the coding strand, the complement: ZNF423 is on the minus strand). VCF-style: chr16-49635876-G-A. GRCh37 (hg19) VCF-style: chr16-49669787-G-A.
Other names: c.3096C>T, p.Cys1032= (NM_001271620.2); c.2925C>T, p.Cys975= (NM_001330533.2); c.3276C>T, p.Cys1092= (NM_015069.5).
Identifiers: ClinVar variation 522320 (VCV000522320.40), dbSNP rs147816446, ClinGen allele CA8046343.